The following is an entry in ClinVar:

NM_001267550.2(TTN):c.9337C>T (p.Arg3113Cys)

Gene: TTN (titin; minus strand). Cytogenetic location: 2q31.2.
Variant type: single nucleotide variant.
Coding change: c.9337C>T on transcript NM_001267550.2 (MANE Select); coding-DNA position 9337, C replaced by T.
Protein change: p.Arg3113Cys; replaces arginine 3113 with cysteine.
Molecular consequence: missense variant.
Genome position (GRCh38, 1-based): chr2:178,767,893, G>A on the plus strand (C>T on the coding strand, the complement: TTN is on the minus strand). VCF-style: chr2-178767893-G-A. GRCh37 (hg19) VCF-style: chr2-179632620-G-A.
Other names: c.9337C>T, p.Arg3113Cys (NM_001256850.1, NM_133378.4, NM_133379.5); c.9199C>T, p.Arg3067Cys (NM_003319.4, NM_133432.3, NM_133437.4); short protein forms R3113C, R3067C.
Identifiers: ClinVar variation 497014 (VCV000497014.8), dbSNP rs751998418, ClinGen allele CA2004353.

ClinVar aggregate classification (germline): Uncertain significance. Review status: criteria provided, multiple submitters, no conflicts (2 of 4 stars). 3 submissions from 3 submitters: Uncertain significance (2). 1 of the submissions does not count toward it. Last evaluated 2019-10-23.

Conditions:
TTN-related disorder. Also called: TTN-related condition; TTN-related disease; TTN-related disorders.
Cardiovascular phenotype. Identifiers: MedGen CN230736.

Allele frequency attached by ClinVar (database versions not stated): TOPMed 0.00002; gnomAD 0.00003; ExAC 0.00002; gnomAD exomes 0.00002.
gnomAD v4.1: 32 of 1,613,934 alleles (0.002%); highest among the groups gnomAD compares: Non-Finnish European, 0.0026%; no homozygotes.

Submissions (3):

Ambry Genetics
Classification: Uncertain significance for Cardiovascular phenotype. Last evaluated: 2019-10-23. Review status: criteria provided, single submitter. Criteria: Ambry Variant Classification Scheme 2023. Collection method: clinical testing. Allele origin: germline.
Comment: The p.R3067C variant (also known as c.9199C>T), located in coding exon 38 of the TTN gene, results from a C to T substitution at nucleotide position 9199. The arginine at codon 3067 is replaced by cysteine, an amino acid with highly dissimilar properties. This amino acid position is highly conserved in available vertebrate species. In addition, this alteration is predicted to be deleterious by in silico analysis. Since supporting evidence is limited at this time, the clinical significance of this alteration remains unclear.

Eurofins Ntd Llc (ga)
Classification: Uncertain significance. Last evaluated: 2017-01-25. Review status: criteria provided, single submitter. Criteria: EGL Classification Definitions 2015. Collection method: clinical testing. Allele origin: germline. Observed: 2 variant alleles, 2 heterozygotes.

PreventionGenetics, part of Exact Sciences
Classification: Uncertain significance for TTN-related condition. Last evaluated: 2024-09-08. Review status: no assertion criteria provided. Collection method: clinical testing. Allele origin: germline. Not counted in ClinVar's aggregate classification.
Comment: The TTN c.9337C>T variant is predicted to result in the amino acid substitution p.Arg3113Cys. To our knowledge, this variant has not been reported in the literature. This variant is reported in 0.0039% of alleles in individuals of European (Non-Finnish) descent in gnomAD. At this time, the clinical significance of this variant is uncertain due to the absence of conclusive functional and genetic evidence.